The following is an entry in ClinVar:

ClinVar aggregate classification (germline): Uncertain significance (1 of 4 stars; one submission).

Conditions:
Baller-Gerold syndrome (BGS). Also called: CRANIOSYNOSTOSIS WITH RADIAL DEFECTS. Identifiers: Orphanet 1225, MedGen C0265308, MONDO:0009039, OMIM 218600.

Allele frequency attached by ClinVar (database versions not stated): gnomAD exomes 0.00001.

Submission:

Labcorp Genetics (formerly Invitae), Labcorp
Classification: Uncertain significance for Baller-Gerold syndrome. Last evaluated: 2023-08-18. Review status: criteria provided, single submitter. Criteria: Invitae Variant Classification Sherloc (09022015). Collection method: clinical testing. Allele origin: germline.
Comment: ClinVar contains an entry for this variant (Variation ID: 641032). Advanced modeling of protein sequence and biophysical properties (such as structural, functional, and spatial information, amino acid conservation, physicochemical variation, residue mobility, and thermodynamic stability) performed at Invitae indicates that this missense variant is not expected to disrupt RECQL4 protein function. In summary, the available evidence is currently insufficient to determine the role of this variant in disease. Therefore, it has been classified as a Variant of Uncertain Significance. This variant has not been reported in the literature in individuals affected with RECQL4-related conditions. This sequence change replaces glutamic acid, which is acidic and polar, with glycine, which is neutral and non-polar, at codon 1126 of the RECQL4 protein (p.Glu1126Gly). This variant is present in population databases (no rsID available, gnomAD 0.003%).

NM_004260.4(RECQL4):c.3377A>G (p.Glu1126Gly)

Gene: RECQL4 (RecQ like helicase 4; minus strand). Cytogenetic location: 8q24.3.
Variant type: single nucleotide variant.
Coding change: c.3377A>G on transcript NM_004260.4 (MANE Select); coding-DNA position 3377, A replaced by G.
Protein change: p.Glu1126Gly; replaces glutamic acid 1126 with glycine.
Molecular consequence: missense variant.
Genome position (GRCh38, 1-based): chr8:144,511,927, T>C on the plus strand (A>G on the coding strand, the complement: RECQL4 is on the minus strand). VCF-style: chr8-144511927-T-C. GRCh37 (hg19) VCF-style: chr8-145737310-T-C.
Other names: short protein forms E1126G.
Identifiers: ClinVar variation 641032 (VCV000641032.3), dbSNP rs1030415007, ClinGen allele CA372668062.
Genomic context (GRCh38, chr8:144,511,927, plus strand): 5'-GGAACCTGCAACCCCGATGAGCTGCCTGGCCTTACTGCACTCACTCTGGCCTGCCCTGGC[T>C]CGGGGCCCTGTGCGTCCTCCATGCCTCCCGGCTCCTGCCCTTCCTCTTCCTCAAAGTAGC-3'
Protein context (NP_004251.4, residues 1116-1136): PGGMEDAQGP[Glu1126Gly]PGQARLQDWE